The following is an entry in ClinVar:

ClinVar aggregate classification (germline): Benign. Review status: criteria provided, multiple submitters, no conflicts (2 of 4 stars). 8 submissions from 8 submitters: Benign (7). 1 of the submissions does not count toward it. Last evaluated 2026-02-04.

Conditions:
Usher syndrome type 2C. Also called: Usher syndrome, type 2B; USHER SYNDROME, TYPE IIC. Identifiers: Orphanet 231178, Orphanet 886, MedGen C2931213, MONDO:0011558, OMIM 605472.
Febrile seizures, familial, 4 (FEB4). Also called: CONVULSIONS, FAMILIAL FEBRILE, 4. Identifiers: MedGen C1858493, MONDO:0011443, OMIM 604352.

Allele frequency attached by ClinVar (database versions not stated): 1000 Genomes Project 0.32208; TOPMed 0.32714; gnomAD exomes 0.34276 and 0.34786; ExAC 0.38547; ESP Exome Variant Server 0.29178; gnomAD 0.31172 and 0.31468; 1000 Genomes Project 30x 0.32011.
gnomAD v4.1: 538,562 of 1,584,942 alleles (34%); highest among the groups gnomAD compares: Admixed American, 53%; 94,667 homozygotes.

Submissions (8):

Labcorp Genetics (formerly Invitae), Labcorp
Classification: Benign. Last evaluated: 2026-02-04. Review status: criteria provided, single submitter. Criteria: Invitae Variant Classification Sherloc (09022015). Collection method: clinical testing. Allele origin: germline.

Fulgent Genetics
Classification: Benign for Febrile seizures, familial, 4; Usher syndrome type 2C. Last evaluated: 2021-08-11. Review status: criteria provided, single submitter. Criteria: ACMG Guidelines, 2015. Collection method: clinical testing. Allele origin: unknown.

Mayo Clinic Laboratories, Mayo Clinic
Classification: Benign. Last evaluated: 2020-10-02. Review status: criteria provided, single submitter. Criteria: ACMG Guidelines, 2015. Collection method: clinical testing. Allele origin: germline. Observed: 98 variant alleles.

Illumina Laboratory Services, Illumina
Classification: Benign for Usher syndrome type 2C. Last evaluated: 2018-01-13. Review status: criteria provided, single submitter. Criteria: ICSL Variant Classification Criteria 13 December 2019. Collection method: clinical testing. Allele origin: germline.
Comment: This variant was observed in the ICSL laboratory as part of a predisposition screen in an ostensibly healthy population. It had not been previously curated by ICSL or reported in the Human Gene Mutation Database (HGMD: prior to June 1st, 2018), and was therefore a candidate for classification through an automated scoring system. Utilizing variant allele frequency, disease prevalence and penetrance estimates, and inheritance mode, an automated score was calculated to assess if this variant is too frequent to cause the disease. Based on the score and internal cut-off values, a variant classified as benign is not then subjected to further curation. The score for this variant resulted in a classification of benign for this disease.

GeneDx
Classification: Benign. Last evaluated: 2015-03-03. Review status: criteria provided, single submitter. Criteria: GeneDx Variant Classification Process June 2021. Collection method: clinical testing. Allele origin: germline. Affected: yes.

Laboratory for Molecular Medicine, Mass General Brigham Personalized Medicine
Classification: Benign. Last evaluated: 2009-06-19. Review status: criteria provided, single submitter. Criteria: LMM Criteria. Collection method: clinical testing. Allele origin: germline. Observed: 1,075 variant alleles.

PreventionGenetics, part of Exact Sciences
Classification: Benign. Review status: criteria provided, single submitter. Criteria: ACMG Guidelines, 2015. Collection method: clinical testing. Allele origin: germline.

Genetic Services Laboratory, University of Chicago
Classification: Likely benign. Review status: no assertion criteria provided. Collection method: clinical testing. Allele origin: germline. Inheritance: Autosomal dominant inheritance. Not counted in ClinVar's aggregate classification.
Comment: Likely benign based on allele frequency in 1000 Genomes Project or ESP global frequency and its presence in a patient with a rare or unrelated disease phenotype. NOT Sanger confirmed

NM_032119.4(ADGRV1):c.6952-10G>A

Gene: ADGRV1 (adhesion G protein-coupled receptor V1; plus strand). Cytogenetic location: 5q14.3.
Variant type: single nucleotide variant.
Coding change: c.6952-10G>A on transcript NM_032119.4 (MANE Select); 10 bases into the intron before coding-DNA position 6952, G replaced by A.
Molecular consequence: intron variant.
Genome position (GRCh38, 1-based): chr5:90,692,595, G>A. VCF-style: chr5-90692595-G-A. GRCh37 (hg19) VCF-style: chr5-89988412-G-A.
Other names: p.?.
Identifiers: ClinVar variation 46358 (VCV000046358.24), dbSNP rs10040165, ClinGen allele CA138187.
Genomic context (GRCh38, chr5:90,692,595, plus strand): 5'-TCCCTTGAATCATTTTTATTCTAATTTCAGAACTGTGATGCTGTTAAGGAAGTTTTCACT[G>A]TATTTTTAGGTTATCCAAGTGCAACTAACTGATGCCTCTGGTGGAGGTACTATTGGGTTA-3'